The following is an entry in ClinVar:

NM_015570.4(AUTS2):c.690+13dup

Gene: AUTS2 (activator of transcription and developmental regulator AUTS2; plus strand). Cytogenetic location: 7q11.22.
Variant type: Duplication.
Coding change: c.690+13dup on transcript NM_015570.4 (MANE Select); 13 bases into the intron after coding-DNA position 690, one base duplicated (C; older notation c.690+13dupC).
Molecular consequence: intron variant.
Genome position (GRCh38, 1-based): chr7:70,435,794, C duplicated; the last of 7 consecutive C bases (chr7:70,435,788-70,435,794); duplicating any one gives the same sequence. VCF-style (leftmost placement, unchanged base first): chr7-70435787-A-AC. GRCh37 (hg19) VCF-style: chr7-69900773-A-AC.
Other names: c.690+13dup (NM_015570.3, NM_001127231.3).
Identifiers: ClinVar variation 703162 (VCV000703162.36), dbSNP rs561727718, ClinGen allele CA4280420.

ClinVar aggregate classification (germline): Benign/Likely benign. Review status: criteria provided, multiple submitters, no conflicts (2 of 4 stars). 3 submissions from 3 submitters: Benign (2); Likely benign (1). Last evaluated 2026-08-01.

Submissions (3):

CeGaT Center for Human Genetics Tuebingen
Classification: Benign. Last evaluated: 2026-08-01. Review status: criteria provided, single submitter. Criteria: CeGaT Center For Human Genetics Tuebingen Variant Classification Criteria Version 2. Collection method: clinical testing. Allele origin: germline. Affected: yes. Observed: 12 variant alleles.
Comment: AUTS2: BS1, BS2

Labcorp Genetics (formerly Invitae), Labcorp
Classification: Benign. Last evaluated: 2026-02-03. Review status: criteria provided, single submitter. Criteria: Invitae Variant Classification Sherloc (09022015). Collection method: clinical testing. Allele origin: germline.

Blueprint Genetics
Classification: Likely benign. Last evaluated: 2024-11-27. Review status: criteria provided, single submitter. Criteria: ACMG Guidelines, 2015. Collection method: clinical testing. Allele origin: germline.